The following is an entry in ClinVar:

ClinVar aggregate classification (germline): Conflicting classifications of pathogenicity. Review status: criteria provided, conflicting classifications (1 of 4 stars). 6 submissions from 6 submitters: Uncertain significance (1); Benign (1); Likely benign (4). Last evaluated 2026-05-21.

Conditions:
Hereditary cancer-predisposing syndrome. Also called: Hereditary neoplastic syndrome; Neoplastic Syndromes, Hereditary; Hereditary Cancer Syndrome; Tumor predisposition. Identifiers: Orphanet 140162, MedGen C0027672, MeSH D009386, MONDO:0015356.
Cardiovascular phenotype. Identifiers: MedGen CN230736.
Neurofibromatosis, type 1 (NF1). Also called: Neurofibromatosis, type I; NEUROFIBROMATOSIS, TYPE I, SOMATIC; Peripheral type neurofibromatosis; VON RECKLINGHAUSEN DISEASE. Identifiers: Orphanet 636, MedGen C0027831, MONDO:0018975, OMIM 162200. Disease mechanism: loss of function.

Allele frequency attached by ClinVar (database versions not stated): gnomAD exomes below 0.00001 and 0.00001; TOPMed below 0.00001; ExAC 0.00001; gnomAD 0.00001.
gnomAD v4.1: 2 of 1,613,942 alleles (0.00012%); highest among the groups gnomAD compares: Admixed American, 0.0033%; no homozygotes.

Submissions (6):

Myriad Genetics, Inc.
Classification: Benign for Neurofibromatosis, type 1. Last evaluated: 2026-05-21. Review status: criteria provided, single submitter. Criteria: Myriad Autosomal Dominant, Autosomal Recessive and X-Linked Classification Criteria (2023). Collection method: clinical testing. Allele origin: unknown.
Comment: This variant is considered benign. This variant is a silent/synonymous amino acid change and it is not expected to impact splicing.

Labcorp Genetics (formerly Invitae), Labcorp
Classification: Likely benign for Neurofibromatosis, type 1. Last evaluated: 2025-11-03. Review status: criteria provided, single submitter. Criteria: Invitae Variant Classification Sherloc (09022015). Collection method: clinical testing. Allele origin: germline.

CeGaT Center for Human Genetics Tuebingen
Classification: Likely benign. Last evaluated: 2025-07-01. Review status: criteria provided, single submitter. Criteria: CeGaT Center For Human Genetics Tuebingen Variant Classification Criteria Version 2. Collection method: clinical testing. Allele origin: germline. Affected: yes. Observed: 1 variant allele.
Comment: NF1: BP4, BP7

Sema4
Classification: Likely benign for Hereditary cancer-predisposing syndrome. Last evaluated: 2021-04-14. Review status: criteria provided, single submitter. Criteria: Sema4 Curation Guidelines. Collection method: curation. Allele origin: germline.

Ambry Genetics
Classification: Likely benign for Cardiovascular phenotype; Hereditary cancer-predisposing syndrome. Last evaluated: 2018-03-10. Review status: criteria provided, single submitter. Criteria: Ambry Variant Classification Scheme 2023. Collection method: clinical testing. Allele origin: germline.

Center for Human Genetics, Inc
Classification: Uncertain significance for Neurofibromatosis, type 1. Last evaluated: 2016-11-01. Review status: criteria provided, single submitter. Criteria: ACMG Guidelines, 2015. Collection method: clinical testing. Allele origin: germline. Affected: yes.

NM_001042492.3(NF1):c.7326A>G (p.Leu2442=)

Gene: NF1 (neurofibromin 1; plus strand). Cytogenetic location: 17q11.2.
Variant type: single nucleotide variant.
Coding change: c.7326A>G on transcript NM_001042492.3 (MANE Select); coding-DNA position 7326, A replaced by G.
Protein change: p.Leu2442=; no amino-acid change (leucine 2442 retained).
Molecular consequence: synonymous variant.
Genome position (GRCh38, 1-based): chr17:31,350,187, A>G. VCF-style: chr17-31350187-A-G. GRCh37 (hg19) VCF-style: chr17-29677205-A-G.
Other names: c.7263A>G, p.Leu2421= (NM_000267.4).
Identifiers: ClinVar variation 457833 (VCV000457833.21), dbSNP rs753224880, ClinGen allele CA8487559.